The following is an entry in ClinVar:

NM_001376256.1(CRYM):c.469G>A (p.Glu157Lys)

Gene: CRYM (crystallin mu; minus strand). Cytogenetic location: 16p12.2.
Variant type: single nucleotide variant.
Coding change: c.469G>A on transcript NM_001376256.1 (MANE Select); coding-DNA position 469, G replaced by A.
Protein change: p.Glu157Lys; replaces glutamic acid 157 with lysine.
Molecular consequence: missense variant.
Genome position (GRCh38, 1-based): chr16:21,269,810, C>T on the plus strand (G>A on the coding strand, the complement: CRYM is on the minus strand). VCF-style: chr16-21269810-C-T. GRCh37 (hg19) VCF-style: chr16-21281131-C-T.
Other names: c.469G>A, p.Glu157Lys (NM_001888.5); short protein forms E157K.
Identifiers: ClinVar variation 4809549 (VCV004809549.1).
Genomic context (GRCh38, chr16:21,269,810, plus strand): 5'-CCCCTTCCCTCTTCTCTCCCACCCCCACCCCTGGACTTACCTCCTTAAAGGAGAACTGCT[C>T]TGTGAAGATCTCATAATGGCTGTAGGCCTGGACCCCAGCCCCAAGGATGCACAGCACTTC-3'
Protein context (NP_001363185.1, residues 147-167): QAYSHYEIFT[Glu157Lys]QFSFKEVRIW

ClinVar aggregate classification (germline): Uncertain significance (1 of 4 stars; one submission).

gnomAD v4.1: 2 of 1,361,070 alleles (0.00015%); highest among the groups gnomAD compares: African/African-American, 0.0015%; no homozygotes.

Submission:

Labcorp Genetics (formerly Invitae), Labcorp
Classification: Uncertain significance. Last evaluated: 2025-07-13. Review status: criteria provided, single submitter. Criteria: Invitae Variant Classification Sherloc (09022015). Collection method: clinical testing. Allele origin: germline.
Comment: This sequence change replaces glutamic acid, which is acidic and polar, with lysine, which is basic and polar, at codon 157 of the CRYM protein (p.Glu157Lys). This variant is present in population databases (no rsID available, gnomAD 0.0009%). This variant has not been reported in the literature in individuals affected with CRYM-related conditions. Invitae Evidence Modeling of protein sequence and biophysical properties (such as structural, functional, and spatial information, amino acid conservation, physicochemical variation, residue mobility, and thermodynamic stability) indicates that this missense variant is not expected to disrupt CRYM protein function with a negative predictive value of 80%. In summary, the available evidence is currently insufficient to determine the role of this variant in disease. Therefore, it has been classified as a Variant of Uncertain Significance.